The following is an entry in ClinVar:

ClinVar aggregate classification (germline): Uncertain significance (1 of 4 stars; one submission).

Allele frequency attached by ClinVar (database versions not stated): ExAC 0.00001; TOPMed 0.00002.

Submission:

Labcorp Genetics (formerly Invitae), Labcorp
Classification: Uncertain significance. Last evaluated: 2023-04-10. Review status: criteria provided, single submitter. Criteria: Invitae Variant Classification Sherloc (09022015). Collection method: clinical testing. Allele origin: germline.
Comment: This sequence change replaces cysteine, which is neutral and slightly polar, with arginine, which is basic and polar, at codon 1109 of the CACNA2D4 protein (p.Cys1109Arg). This variant is present in population databases (rs768998593, gnomAD 0.003%). This variant has not been reported in the literature in individuals affected with CACNA2D4-related conditions. ClinVar contains an entry for this variant (Variation ID: 1045114). An algorithm developed to predict the effect of missense changes on protein structure and function (PolyPhen-2) suggests that this variant is likely to be disruptive. In summary, the available evidence is currently insufficient to determine the role of this variant in disease. Therefore, it has been classified as a Variant of Uncertain Significance.

NM_172364.5(CACNA2D4):c.3325T>C (p.Cys1109Arg)

Gene: CACNA2D4 (calcium voltage-gated channel auxiliary subunit alpha2delta 4; minus strand). Cytogenetic location: 12p13.33.
Variant type: single nucleotide variant.
Coding change: c.3325T>C on transcript NM_172364.5 (MANE Select); coding-DNA position 3325, T replaced by C.
Protein change: p.Cys1109Arg; replaces cysteine 1109 with arginine.
Molecular consequence: missense variant.
Genome position (GRCh38, 1-based): chr12:1,793,744, A>G on the plus strand (T>C on the coding strand, the complement: CACNA2D4 is on the minus strand). VCF-style: chr12-1793744-A-G. GRCh37 (hg19) VCF-style: chr12-1902910-A-G.
Other names: short protein forms C1109R.
Identifiers: ClinVar variation 1045114 (VCV001045114.8), dbSNP rs768998593, ClinGen allele CA6385948.